The following is an entry in ClinVar:

ClinVar aggregate classification (germline): Likely benign (0 of 4 stars; one submission).

Conditions:
BBS12-related disorder. Also called: BBS12-related condition.

gnomAD v4.1: 1 of 1,614,182 alleles (0.000062%); highest among the groups gnomAD compares: South Asian, 0.0011%; no homozygotes.

Submission:

PreventionGenetics, part of Exact Sciences
Classification: Likely benign for BBS12-related condition. Last evaluated: 2024-08-23. Review status: no assertion criteria provided. Collection method: clinical testing. Allele origin: germline.
Comment: This variant is classified as likely benign based on ACMG/AMP sequence variant interpretation guidelines (Richards et al. 2015 PMID: 25741868, with internal and published modifications).

NM_152618.3(BBS12):c.702T>C (p.Ser234=)

Gene: BBS12 (Bardet-Biedl syndrome 12; plus strand). Cytogenetic location: 4q27.
Variant type: single nucleotide variant.
Coding change: c.702T>C on transcript NM_152618.3 (MANE Select); coding-DNA position 702, T replaced by C.
Protein change: p.Ser234=; no amino-acid change (serine 234 retained).
Molecular consequence: synonymous variant.
Genome position (GRCh38, 1-based): chr4:122,742,594, T>C. VCF-style: chr4-122742594-T-C. GRCh37 (hg19) VCF-style: chr4-123663749-T-C.
Other names: c.702T>C, p.Ser234= (NM_001178007.2).
Identifiers: ClinVar variation 3351306 (VCV003351306.1).